The following is an entry in ClinVar:

ClinVar aggregate classification (germline): Uncertain significance. Review status: criteria provided, multiple submitters, no conflicts (2 of 4 stars). 2 submissions from 2 submitters: Uncertain significance (2). Last evaluated 2020-11-25.

Conditions:
Charcot-Marie-Tooth disease axonal type 2O. Also called: CHARCOT-MARIE-TOOTH NEUROPATHY, AXONAL, TYPE 2O; CHARCOT-MARIE-TOOTH DISEASE, AXONAL, AUTOSOMAL DOMINANT, TYPE 2O; Charcot-Marie-Tooth Neuropathy Type 2O; Charcot-Marie-Tooth disease, axonal, type 20. Identifiers: Orphanet 284232, MedGen C3280220, MONDO:0013644, OMIM 614228.

Allele frequency attached by ClinVar (database versions not stated): gnomAD exomes below 0.00001.
gnomAD v4.1: 1 of 1,613,938 alleles (0.000062%); highest among the groups gnomAD compares: South Asian, 0.0011%; no homozygotes.

Submissions (2):

Revvity Omics, Revvity
Classification: Uncertain significance. Last evaluated: 2020-11-25. Review status: criteria provided, single submitter. Criteria: ACMG Guidelines, 2015. Collection method: clinical testing. Allele origin: germline.

Labcorp Genetics (formerly Invitae), Labcorp
Classification: Uncertain significance for Charcot-Marie-Tooth disease axonal type 2O. Last evaluated: 2019-08-11. Review status: criteria provided, single submitter. Criteria: Invitae Variant Classification Sherloc (09022015). Collection method: clinical testing. Allele origin: germline.
Comment: This sequence change replaces threonine with isoleucine at codon 4547 of the DYNC1H1 protein (p.Thr4547Ile). The threonine residue is moderately conserved and there is a moderate physicochemical difference between threonine and isoleucine. This variant is not present in population databases (ExAC no frequency). This variant has not been reported in the literature in individuals with DYNC1H1-related conditions. Algorithms developed to predict the effect of missense changes on protein structure and function (SIFT, PolyPhen-2, Align-GVGD) all suggest that this variant is likely to be tolerated, but these predictions have not been confirmed by published functional studies and their clinical significance is uncertain. In summary, the available evidence is currently insufficient to determine the role of this variant in disease. Therefore, it has been classified as a Variant of Uncertain Significance.

NM_001376.5(DYNC1H1):c.13640C>T (p.Thr4547Ile)

Gene: DYNC1H1 (dynein cytoplasmic 1 heavy chain 1; plus strand). Cytogenetic location: 14q32.31.
Variant type: single nucleotide variant.
Coding change: c.13640C>T on transcript NM_001376.5 (MANE Select); coding-DNA position 13640, C replaced by T.
Protein change: p.Thr4547Ile; replaces threonine 4547 with isoleucine.
Molecular consequence: missense variant.
Genome position (GRCh38, 1-based): chr14:102,049,838, C>T. VCF-style: chr14-102049838-C-T. GRCh37 (hg19) VCF-style: chr14-102516175-C-T.
Other names: short protein forms T4547I.
Identifiers: ClinVar variation 956401 (VCV000956401.12), dbSNP rs2048780089, ClinGen allele CA391050643.